The following is an entry in ClinVar:

ClinVar aggregate classification (germline): Pathogenic (1 of 4 stars; one submission).

Conditions:
EPILEPSY, CHILDHOOD ABSENCE, SUSCEPTIBILITY TO, 2 (ECA2). Identifiers: Orphanet 64280, MedGen C1843244, OMIM 607681.
Febrile seizures, familial, 8 (FEB8). Also called: CONVULSIONS, FAMILIAL FEBRILE, 8. Identifiers: Orphanet 36387, MedGen C1969810, MONDO:0011891, OMIM 607681.

Submission:

Labcorp Genetics (formerly Invitae), Labcorp
Classification: Pathogenic for Febrile seizures, familial, 8; EPILEPSY, CHILDHOOD ABSENCE, SUSCEPTIBILITY TO, 2. Last evaluated: 2024-12-22. Review status: criteria provided, single submitter. Criteria: Invitae Variant Classification Sherloc (09022015). Collection method: clinical testing. Allele origin: germline.
Comment: This sequence change creates a premature translational stop signal (p.Arg177Glnfs*6) in the GABRG2 gene. It is expected to result in an absent or disrupted protein product. Loss-of-function variants in GABRG2 are known to be pathogenic (PMID: 22539854, 22750526, 24407264). This variant is not present in population databases (gnomAD no frequency). This premature translational stop signal has been observed in individual(s) with GABRG2-related conditions (internal data). It has also been observed to segregate with disease in related individuals. ClinVar contains an entry for this variant (Variation ID: 238189). Algorithms developed to predict the effect of sequence changes on RNA splicing suggest that this variant may disrupt the consensus splice site. For these reasons, this variant has been classified as Pathogenic.

Literature cited by the submitters: PubMed 22539854; PubMed 22750526; PubMed 24407264.

NM_198904.4(GABRG2):c.530del (p.Arg177fs)

Gene: GABRG2 (gamma-aminobutyric acid type A receptor subunit gamma2; plus strand). Cytogenetic location: 5q34.
Variant type: Deletion.
Coding change: c.530del on transcript NM_198904.4 (MANE Select); coding-DNA position 530, one base deleted (G; older notation c.530delG).
Protein change: p.Arg177fs; shifts the reading frame from arginine 177.
Molecular consequence: frameshift variant.
Genome position (GRCh38, 1-based): chr5:162,097,840, G deleted. VCF-style (leftmost placement, unchanged base first): chr5-162097839-CG-C. GRCh37 (hg19) VCF-style: chr5-161524845-CG-C.
Other names: c.530del, p.Arg177fs (NM_000816.3, NM_001375340.1, NM_001375341.1 and 4 more transcripts); c.530delG (NM_000816.3); c.521del, p.Arg174fs (NM_001375339.1); c.464del, p.Arg155fs (NM_001375345.1, NM_001375346.1); c.443del, p.Arg148fs (NM_001375347.1); c.110del, p.Arg37fs (NM_001375348.1, NM_001375350.1); c.245del, p.Arg82fs (NM_001375349.1); short protein forms R177fs, R148fs, R155fs, R174fs, R37fs, R82fs.
Identifiers: ClinVar variation 238189 (VCV000238189.11), dbSNP rs878854144, ClinGen allele CA10582412.
Genomic context (GRCh38, chr5:162,097,839, plus strand): 5'-AAAGCTGATGCACACTGGATCACCACCCCCAACAGGATGCTGAGAATTTGGAATGATGGT[CG>C]AGTGCTCTACACCCTAAGGTATTCTTTTGCAAAAGGAAAGGAGTAATTGTTAGGAAGAAA-3'